The following is an entry in ClinVar:

NM_007055.4(POLR3A):c.2830G>A (p.Glu944Lys)

Gene: POLR3A (RNA polymerase III subunit A; minus strand). Cytogenetic location: 10q22.3.
Variant type: single nucleotide variant.
Coding change: c.2830G>A on transcript NM_007055.4 (MANE Select); coding-DNA position 2830, G replaced by A.
Protein change: p.Glu944Lys; replaces glutamic acid 944 with lysine.
Molecular consequence: missense variant.
Genome position (GRCh38, 1-based): chr10:77,991,125, C>T on the plus strand (G>A on the coding strand, the complement: POLR3A is on the minus strand). VCF-style: chr10-77991125-C-T. GRCh37 (hg19) VCF-style: chr10-79750883-C-T.
Other names: short protein forms E944K.
Identifiers: ClinVar variation 1922199 (VCV001922199.6), dbSNP rs267608674, ClinGen allele CA5571014.

ClinVar aggregate classification (germline): Uncertain significance. Review status: criteria provided, single submitter (1 of 4 stars). 2 submissions from 2 submitters: Uncertain significance (1). 1 of the submissions does not count toward it. Last evaluated 2022-07-21.

Conditions:
Type 2 diabetes mellitus. Also called: Type II diabetes mellitus. Identifiers: MedGen C0011860, MeSH D003924, MONDO:0005148, OMIM 125853, HP:0005978.

Allele frequency attached by ClinVar (database versions not stated): TOPMed below 0.00001; ExAC 0.00001.

Submissions (2):

Labcorp Genetics (formerly Invitae), Labcorp
Classification: Uncertain significance. Last evaluated: 2022-07-21. Review status: criteria provided, single submitter. Criteria: Invitae Variant Classification Sherloc (09022015). Collection method: clinical testing. Allele origin: germline.
Comment: In summary, the available evidence is currently insufficient to determine the role of this variant in disease. Therefore, it has been classified as a Variant of Uncertain Significance. Algorithms developed to predict the effect of missense changes on protein structure and function (SIFT, PolyPhen-2, Align-GVGD) all suggest that this variant is likely to be tolerated. This variant has not been reported in the literature in individuals affected with POLR3A-related conditions. This variant is present in population databases (rs267608674, gnomAD no frequency). This sequence change replaces glutamic acid, which is acidic and polar, with lysine, which is basic and polar, at codon 944 of the POLR3A protein (p.Glu944Lys).

Gene Friend Way, National Innovation Center
Classification: Uncertain significance for Type 2 diabetes mellitus. Last evaluated: 2025-01-01. Review status: no assertion criteria provided. Collection method: clinical testing. Allele origin: unknown. Affected: yes. Observed: 1 variant allele. Not counted in ClinVar's aggregate classification.
Comment: Current data is insufficient to determine the role of this variant. Therefore, it has been classified as a Variant of Uncertain Significance. POLR3A is associated with purine/pyrimidine metabolism, which is strongly linked with T2D progression (PMID: 36438805, 31517540, 30814579).

Literature cited by the submitters: PubMed 36438805 (cited by Gene Friend Way, National Innovation Center); PubMed 31517540 (cited by Gene Friend Way, National Innovation Center); PubMed 30814579 (cited by Gene Friend Way, National Innovation Center).